The following is an entry in ClinVar:

ClinVar aggregate classification (germline): Conflicting classifications of pathogenicity. Review status: criteria provided, conflicting classifications (1 of 4 stars). 3 submissions from 3 submitters: Uncertain significance (2); Likely benign (1). Last evaluated 2026-01-14.

Conditions:
LAMA2-related muscular dystrophy (LAMA2-RD). Also called: Laminin alpha 2-related dystrophy. Identifiers: MedGen C5679788, MONDO:0100228.
Congenital muscular dystrophy due to partial LAMA2 deficiency. Identifiers: MedGen C1842898.
Inborn genetic diseases. Identifiers: MedGen C0950123, MeSH D030342.

Allele frequency attached by ClinVar (database versions not stated): gnomAD exomes below 0.00001 and 0.00001; TOPMed 0.00001.
gnomAD v4.1: 13 of 1,608,864 alleles (0.00081%); highest among the groups gnomAD compares: East Asian, 0.0022%; no homozygotes.

Submissions (3):

Ambry Genetics
Classification: Likely benign for Inborn genetic diseases. Last evaluated: 2026-01-14. Review status: criteria provided, single submitter. Criteria: Ambry Variant Classification Scheme 2023. Collection method: clinical testing. Allele origin: germline.

Labcorp Genetics (formerly Invitae), Labcorp
Classification: Uncertain significance for LAMA2-related muscular dystrophy. Last evaluated: 2021-08-30. Review status: criteria provided, single submitter. Criteria: Invitae Variant Classification Sherloc (09022015). Collection method: clinical testing. Allele origin: germline.
Comment: This sequence change replaces isoleucine with methionine at codon 2002 of the LAMA2 protein (p.Ile2002Met). The isoleucine residue is weakly conserved and there is a small physicochemical difference between isoleucine and methionine. This variant is not present in population databases (ExAC no frequency). This variant has not been reported in the literature in individuals affected with LAMA2-related conditions. Algorithms developed to predict the effect of missense changes on protein structure and function (SIFT, PolyPhen-2, Align-GVGD) all suggest that this variant is likely to be tolerated. In summary, the available evidence is currently insufficient to determine the role of this variant in disease. Therefore, it has been classified as a Variant of Uncertain Significance.

Illumina Laboratory Services, Illumina
Classification: Uncertain significance for Congenital muscular dystrophy due to partial LAMA2 deficiency. Last evaluated: 2018-01-12. Review status: criteria provided, single submitter. Criteria: ICSL Variant Classification Criteria 13 December 2019. Collection method: clinical testing. Allele origin: germline.

NM_000426.4(LAMA2):c.6006A>G (p.Ile2002Met)

Gene: LAMA2 (laminin subunit alpha 2; plus strand). Cytogenetic location: 6q22.33.
Variant type: single nucleotide variant.
Coding change: c.6006A>G on transcript NM_000426.4 (MANE Select); coding-DNA position 6006, A replaced by G.
Protein change: p.Ile2002Met; replaces isoleucine 2002 with methionine.
Molecular consequence: missense variant.
Genome position (GRCh38, 1-based): chr6:129,438,683, A>G. VCF-style: chr6-129438683-A-G. GRCh37 (hg19) VCF-style: chr6-129759828-A-G.
Other names: c.6006A>G, p.Ile2002Met (NM_001079823.2); short protein forms I2002M.
Identifiers: ClinVar variation 905512 (VCV000905512.7), dbSNP rs980785600, ClinGen allele CA146915467.